The following is an entry in ClinVar:

ClinVar aggregate classification (germline): Uncertain significance (1 of 4 stars; one submission).

Conditions:
Cardiovascular phenotype. Identifiers: MedGen CN230736.

gnomAD v4.1: 2 of 1,614,090 alleles (0.00012%); highest among the groups gnomAD compares: African/African-American, 0.0013%; no homozygotes.

Submission:

Ambry Genetics
Classification: Uncertain significance for Cardiovascular phenotype. Last evaluated: 2024-08-11. Review status: criteria provided, single submitter. Criteria: Ambry Variant Classification Scheme 2023. Collection method: clinical testing. Allele origin: germline.
Comment: The p.I4487V variant (also known as c.13459A>G), located in coding exon 29 of the APOB gene, results from an A to G substitution at nucleotide position 13459. The isoleucine at codon 4487 is replaced by valine, an amino acid with highly similar properties. This amino acid position is conserved. In addition, this alteration is predicted to be tolerated by in silico analysis. Based on the available evidence, the clinical significance of this variant remains unclear.

NM_000384.3(APOB):c.13459A>G (p.Ile4487Val)

Gene: APOB (apolipoprotein B; minus strand). Cytogenetic location: 2p24.1.
Variant type: single nucleotide variant.
Coding change: c.13459A>G on transcript NM_000384.3 (MANE Select); coding-DNA position 13459, A replaced by G.
Protein change: p.Ile4487Val; replaces isoleucine 4487 with valine.
Molecular consequence: missense variant.
Genome position (GRCh38, 1-based): chr2:21,001,963, T>C on the plus strand (A>G on the coding strand, the complement: APOB is on the minus strand). VCF-style: chr2-21001963-T-C. GRCh37 (hg19) VCF-style: chr2-21224835-T-C.
Other names: short protein forms I4487V.
Identifiers: ClinVar variation 3415733 (VCV003415733.1).